The following is an entry in ClinVar:

NM_003190.5(TAPBP):c.753C>T (p.Thr251=)

Gene: TAPBP (TAP binding protein; minus strand). Cytogenetic location: 6p21.32.
Variant type: single nucleotide variant.
Coding change: c.753C>T on transcript NM_003190.5 (MANE Select); coding-DNA position 753, C replaced by T.
Protein change: p.Thr251=; no amino-acid change (threonine 251 retained).
Molecular consequence: synonymous variant.
Genome position (GRCh38, 1-based): chr6:33,305,104, G>A on the plus strand (C>T on the coding strand, the complement: TAPBP is on the minus strand). VCF-style: chr6-33305104-G-A. GRCh37 (hg19) VCF-style: chr6-33272881-G-A.
Other names: c.753C>T, p.Thr251= (NM_172208.3); c.492C>T, p.Thr164= (NM_172209.3).
Identifiers: ClinVar variation 534734 (VCV000534734.34), dbSNP rs147684698, ClinGen allele CA3755813.

ClinVar aggregate classification (germline): Likely benign. Review status: criteria provided, multiple submitters, no conflicts (2 of 4 stars). 4 submissions from 4 submitters: Likely benign (3). 1 of the submissions does not count toward it. Last evaluated 2025-12-21.

Conditions:
MHC class I deficiency. Identifiers: Orphanet 34592, MedGen C6024714, MONDO:0011476.
TAPBP-related disorder. Also called: TAPBP-related condition.

Allele frequency attached by ClinVar (database versions not stated): gnomAD exomes 0.00017 and 0.00023; ExAC 0.00020; gnomAD 0.00030 and 0.00033; TOPMed 0.00032; ESP Exome Variant Server 0.00069.

Submissions (4):

Labcorp Genetics (formerly Invitae), Labcorp
Classification: Likely benign for MHC class I deficiency 1. Last evaluated: 2025-12-21. Review status: criteria provided, single submitter. Criteria: Invitae Variant Classification Sherloc (09022015). Collection method: clinical testing. Allele origin: germline.

Blueprint Genetics
Classification: Likely benign. Last evaluated: 2024-11-26. Review status: criteria provided, single submitter. Criteria: ACMG Guidelines, 2015. Collection method: clinical testing. Allele origin: germline.

CeGaT Center for Human Genetics Tuebingen
Classification: Likely benign. Last evaluated: 2024-03-01. Review status: criteria provided, single submitter. Criteria: CeGaT Center For Human Genetics Tuebingen Variant Classification Criteria Version 2. Collection method: clinical testing. Allele origin: germline. Affected: yes. Observed: 1 variant allele.
Comment: TAPBP: BP4, BP7

PreventionGenetics, part of Exact Sciences
Classification: Likely benign for TAPBP-related condition. Last evaluated: 2019-05-21. Review status: no assertion criteria provided. Collection method: clinical testing. Allele origin: germline. Not counted in ClinVar's aggregate classification.
Comment: This variant is classified as likely benign based on ACMG/AMP sequence variant interpretation guidelines (Richards et al. 2015 PMID: 25741868, with internal and published modifications).